The following is an entry in ClinVar:

ClinVar aggregate classification (germline): Pathogenic/Likely pathogenic. Review status: criteria provided, multiple submitters, no conflicts (2 of 4 stars). 2 submissions from 2 submitters: Pathogenic (1); Likely pathogenic (1). Last evaluated 2023-01-23.

Conditions:
Cerebral cavernous malformation 3. Also called: Familial Cerebral Cavernous Malformation 3. Identifiers: Orphanet 221061, MedGen C1864040, MONDO:0011305, OMIM 603285.

Submissions (2):

Labcorp Genetics (formerly Invitae), Labcorp
Classification: Pathogenic for Cerebral cavernous malformation 3. Last evaluated: 2023-01-23. Review status: criteria provided, single submitter. Criteria: Invitae Variant Classification Sherloc (09022015). Collection method: clinical testing. Allele origin: germline.
Comment: For these reasons, this variant has been classified as Pathogenic. This variant disrupts a region of the PDCD10 protein in which other variant(s) (p.Arg196*) have been determined to be pathogenic (PMID: 15543491, 30161288). This suggests that this is a clinically significant region of the protein, and that variants that disrupt it are likely to be disease-causing. ClinVar contains an entry for this variant (Variation ID: 574691). This frameshift has been observed in individual(s) with cerebral cavernous malformation (Invitae). This variant is not present in population databases (gnomAD no frequency). This sequence change results in a frameshift in the PDCD10 gene (p.Asn195Lysfs*34). While this is not anticipated to result in nonsense mediated decay, it is expected to disrupt the last 18 amino acid(s) of the PDCD10 protein and extend the protein by 15 additional amino acid residues.

Revvity Omics, Revvity
Classification: Likely pathogenic for Cerebral cavernous malformation 3. Last evaluated: 2021-03-25. Review status: criteria provided, single submitter. Criteria: ACMG Guidelines, 2015. Collection method: clinical testing. Allele origin: germline.

Literature cited by the submitters: PubMed 15543491 (cited by Labcorp Genetics (formerly Invitae), Labcorp); PubMed 30161288 (cited by Labcorp Genetics (formerly Invitae), Labcorp).

NM_007217.4(PDCD10):c.584dup (p.Asn195fs)

Gene: PDCD10 (programmed cell death 10; minus strand). Cytogenetic location: 3q26.1.
Variant type: Duplication.
Coding change: c.584dup on transcript NM_007217.4 (MANE Select); coding-DNA position 584, one base duplicated (A; older notation c.584dupA).
Protein change: p.Asn195fs; shifts the reading frame from asparagine 195.
Molecular consequence: frameshift variant.
Genome position (GRCh38, 1-based): chr3:167,684,363, T duplicated on the plus strand (A on the coding strand, the reverse complement: PDCD10 is on the minus strand); the first of 2 consecutive T bases (chr3:167,684,363-167,684,364); duplicating either gives the same sequence. VCF-style (leftmost placement, unchanged base first): chr3-167684362-G-GT. GRCh37 (hg19) VCF-style: chr3-167402150-G-GT.
Other names: c.584dupA (NM_145860.1); c.584dup, p.Asn195fs (NM_145859.2, NM_145860.2); short protein forms N195fs.
Identifiers: ClinVar variation 574691 (VCV000574691.12), dbSNP rs1559941903, ClinGen allele CA891842641.